The following is an entry in ClinVar:

ClinVar aggregate classification (germline): Likely pathogenic (1 of 4 stars; one submission).

Submission:

Labcorp Genetics (formerly Invitae), Labcorp
Classification: Likely pathogenic. Last evaluated: 2021-05-22. Review status: criteria provided, single submitter. Criteria: Invitae Variant Classification Sherloc (09022015). Collection method: clinical testing. Allele origin: germline.
Comment: This variant results in the deletion of exon(s) 32-36 and part of exon 37 (c.3913+1134_6433delinsCAGG) of the OTOG gene. It is expected to disrupt RNA splicing. Variants that disrupt the donor or acceptor splice site typically lead to a loss of protein function (PMID: 16199547), and loss-of-function variants in OTOG are known to be pathogenic (PMID: 23122587). This variant has not been reported in the literature in individuals with OTOG-related conditions. This variant disrupts a region of the protein in which other variant(s) (p.Pro2116Leu) have been observed in individuals with OTOG-related conditions (PMID: 23122587). This suggests that this may be a clinically significant region of the OTOG protein. In summary, the currently available evidence indicates that the variant is pathogenic, but additional data are needed to prove that conclusively. Therefore, this variant has been classified as Likely Pathogenic.

Literature cited by the submitters: PubMed 16199547; PubMed 23122587.

NC_000011.9:g.(?_17625058)_(17634271_?)del

Gene: OTOG (otogelin; plus strand). Cytogenetic location: 11p15.1.
Variant type: Deletion.
Identifiers: ClinVar variation 1505146 (VCV001505146.1).